The following is an entry in ClinVar:

NM_000059.4(BRCA2):c.3345del (p.Thr1116fs)

Gene: BRCA2 (BRCA2 DNA repair associated; plus strand). Cytogenetic location: 13q13.1.
Variant type: Deletion.
Coding change: c.3345del on transcript NM_000059.4 (MANE Select); coding-DNA position 3345, one base deleted (T; older notation c.3345delT).
Protein change: p.Thr1116fs; shifts the reading frame from threonine 1116.
Molecular consequence: frameshift variant.
Genome position (GRCh38, 1-based): chr13:32,337,700, T deleted. VCF-style (leftmost placement, unchanged base first): chr13-32337699-CT-C. GRCh37 (hg19) VCF-style: chr13-32911836-CT-C.
Other names: short protein forms T1116fs.
Identifiers: ClinVar variation 4710074 (VCV004710074.1).

ClinVar aggregate classification (germline): Pathogenic (1 of 4 stars; one submission).

Conditions:
Hereditary breast ovarian cancer syndrome. Also called: BRCA1- and BRCA2-Associated Hereditary Breast and Ovarian Cancer; Breast and ovarian cancer; Hereditary breast and ovarian cancer syndrome; Hereditary breast and ovarian cancer syndrome (HBOC); Hereditary breast and/or ovarian cancer syndrome; Hereditary breast and ovarian cancer. Identifiers: Orphanet 145, MedGen C0677776, MeSH D061325, MONDO:0003582. Disease mechanism: loss of function.

Submission:

Labcorp Genetics (formerly Invitae), Labcorp
Classification: Pathogenic for Hereditary breast ovarian cancer syndrome. Last evaluated: 2025-12-02. Review status: criteria provided, single submitter. Criteria: Invitae Variant Classification Sherloc (09022015). Collection method: clinical testing. Allele origin: germline.
Comment: This sequence change creates a premature translational stop signal (p.Thr1116Leufs*3) in the BRCA2 gene. It is expected to result in an absent or disrupted protein product. Loss-of-function variants in BRCA2 are known to be pathogenic (PMID: 20104584). This variant is not present in population databases (gnomAD no frequency). This premature translational stop signal has been observed in individual(s) with personal and/or family history of breast cancer (PMID: 28486781). For these reasons, this variant has been classified as Pathogenic.

Literature cited by the submitters: PubMed 20104584; PubMed 28486781.